The following is an entry in ClinVar:

ClinVar aggregate classification (germline): Benign (1 of 4 stars; one submission).

Allele frequency attached by ClinVar (database versions not stated): ESP Exome Variant Server 0.16431; TOPMed 0.17526; 1000 Genomes Project 0.17971; 1000 Genomes Project 30x 0.18161; gnomAD 0.18318; gnomAD exomes 0.20941; ExAC 0.21354.

Submission:

Unidad de Genómica Garrahan, Hospital de Pediatría Garrahan
Classification: Benign. Last evaluated: 2024-01-24. Review status: criteria provided, single submitter. Criteria: ACMG Guidelines, 2015. Collection method: clinical testing. Allele origin: germline. Affected: no. Observed: 46 variant alleles.
Comment: This variant is classified as Benign based on local population frequency. This variant was detected in 48% of patients studied by a panel of primary immunodeficiencies. Number of patients: 46. Only high quality variants are reported.

NM_024711.6(GIMAP6):c.511G>A (p.Gly171Ser)

Gene: GIMAP6 (GTPase, IMAP family member 6; minus strand). Cytogenetic location: 7q36.1.
Variant type: single nucleotide variant.
Coding change: c.511G>A on transcript NM_024711.6 (MANE Select); coding-DNA position 511, G replaced by A.
Protein change: p.Gly171Ser; replaces glycine 171 with serine.
Molecular consequence: missense variant. On other transcripts: 3 prime UTR variant (1).
Genome position (GRCh38, 1-based): chr7:150,628,087, C>T on the plus strand (G>A on the coding strand, the complement: GIMAP6 is on the minus strand). VCF-style: chr7-150628087-C-T. GRCh37 (hg19) VCF-style: chr7-150325175-C-T.
Other names: c.*98G>A (NM_001244071.2); c.721G>A, p.Gly241Ser (NM_001244072.2); short protein forms G171S, G241S.
Identifiers: ClinVar variation 2688132 (VCV002688132.2), dbSNP rs13234724, ClinGen allele CA4564201.